The following is an entry in ClinVar:

ClinVar aggregate classification (germline): Uncertain significance. Review status: criteria provided, multiple submitters, no conflicts (2 of 4 stars). 2 submissions from 2 submitters: Uncertain significance (2). Last evaluated 2025-07-03.

Submissions (2):

Ambry Genetics
Classification: Uncertain significance. Last evaluated: 2025-07-03. Review status: criteria provided, single submitter. Criteria: Ambry Variant Classification Scheme 2023. Collection method: clinical testing. Allele origin: germline.
Comment: The p.K114E variant (also known as c.340A>G), located in coding exon 4 of the RINT1 gene, results from an A to G substitution at nucleotide position 340. The lysine at codon 114 is replaced by glutamic acid, an amino acid with similar properties. This amino acid position is conserved. In addition, this alteration is predicted to be tolerated by in silico analysis. Based on the available evidence, the clinical significance of this variant remains unclear.

Labcorp Genetics (formerly Invitae), Labcorp
Classification: Uncertain significance. Last evaluated: 2021-02-25. Review status: criteria provided, single submitter. Criteria: Invitae Variant Classification Sherloc (09022015). Collection method: clinical testing. Allele origin: germline.
Comment: This sequence change replaces lysine with glutamic acid at codon 114 of the RINT1 protein (p.Lys114Glu). The lysine residue is highly conserved and there is a small physicochemical difference between lysine and glutamic acid. This variant is not present in population databases (ExAC no frequency). This variant has not been reported in the literature in individuals with RINT1-related conditions. Algorithms developed to predict the effect of missense changes on protein structure and function output the following: SIFT: "Tolerated"; PolyPhen-2: "Benign"; Align-GVGD: "Class C0". The glutamic acid amino acid residue is found in multiple mammalian species, suggesting that this missense change does not adversely affect protein function. These predictions have not been confirmed by published functional studies and their clinical significance is uncertain. In summary, the available evidence is currently insufficient to determine the role of this variant in disease. Therefore, it has been classified as a Variant of Uncertain Significance.

NM_021930.6(RINT1):c.340A>G (p.Lys114Glu)

Gene: RINT1 (RAD50 interactor 1; plus strand). Cytogenetic location: 7q22.3.
Variant type: single nucleotide variant.
Coding change: c.340A>G on transcript NM_021930.6 (MANE Select); coding-DNA position 340, A replaced by G.
Protein change: p.Lys114Glu; replaces lysine 114 with glutamic acid.
Molecular consequence: missense variant. On other transcripts: 5 prime UTR variant (3), non-coding transcript variant (1).
Genome position (GRCh38, 1-based): chr7:105,542,474, A>G. VCF-style: chr7-105542474-A-G. GRCh37 (hg19) VCF-style: chr7-105182921-A-G.
Other names: c.340A>G (NM_021930.4); c.106A>G, p.Lys36Glu (NM_001346599.2); c.-680A>G (NM_001346600.2); c.-583A>G (NM_001346601.2); c.-203A>G (NM_001346603.2); short protein forms K114E, K36E.
Identifiers: ClinVar variation 1060088 (VCV001060088.10), dbSNP rs751130201, ClinGen allele CA368803073.